The following is an entry in ClinVar:

NM_000500.9(CYP21A2):c.60G>C (p.Trp20Cys)

Genes: CYP21A2 (cytochrome P450 family 21 subfamily A member 2; plus strand), LOC106780800 (CYP21A2 recombination region; plus strand). Cytogenetic location: 6p21.33.
Variant type: single nucleotide variant.
Coding change: c.60G>C on transcript NM_000500.9 (MANE Select); coding-DNA position 60, G replaced by C.
Protein change: p.Trp20Cys; replaces tryptophan 20 with cysteine.
Molecular consequence: missense variant. On other transcripts: 5 prime UTR variant (2).
Genome position (GRCh38, 1-based): chr6:32,038,482, G>C. VCF-style: chr6-32038482-G-C. GRCh37 (hg19) VCF-style: chr6-32006259-G-C.
Other names: c.60G>C (NM_000500.7); c.60G>C, p.Trp20Cys (NM_001128590.4); c.-365G>C (NM_001368143.2); c.-275G>C (NM_001368144.2); short protein forms W20C.
Identifiers: ClinVar variation 3393204 (VCV003393204.2).

ClinVar aggregate classification (germline): Uncertain significance. Review status: criteria provided, multiple submitters, no conflicts (2 of 4 stars). 2 submissions from 2 submitters: Uncertain significance (2). Last evaluated 2026-07-15.

Conditions:
CYP21A2-related disorder. Also called: CYP21A2-related condition.
21-Hydroxylase-Deficient Congenital Adrenal Hyperplasia. Also called: ADRENAL HYPERPLASIA, CONGENITAL, DUE TO 21-HYDROXYLASE DEFICIENCY; ADRENAL HYPERPLASIA III. Identifiers: MedGen C2936858, OMIM 201910.

gnomAD v4.1: 67 of 1,587,140 alleles (0.0042%); highest among the groups gnomAD compares: African/African-American, 0.057%; no homozygotes.

Submissions (2):

PreventionGenetics, part of Exact Sciences
Classification: Uncertain significance for CYP21A2-related condition. Last evaluated: 2026-07-15. Review status: criteria provided, single submitter. Criteria: ACMG Guidelines, 2015. Collection method: clinical testing. Allele origin: germline.
Comment: The CYP21A2 c.60G>C variant is predicted to result in the amino acid substitution p.Trp20Cys. To our knowledge, this variant has not been reported in the literature. This variant is reported in 0.050% of alleles in individuals of African descent in gnomAD. At this time, the clinical significance of this variant is uncertain due to the absence of conclusive functional and genetic evidence.

Genomic Medicine Center of Excellence, King Faisal Specialist Hospital and Research Centre
Classification: Uncertain significance for 21-Hydroxylase-Deficient Congenital Adrenal Hyperplasia. Last evaluated: 2024-12-19. Review status: criteria provided, single submitter. Criteria: ACMG Guidelines, 2015. Collection method: clinical testing. Allele origin: germline.